The following is an entry in ClinVar:

ClinVar aggregate classification (germline): Uncertain significance (1 of 4 stars; one submission).

Submission:

CeGaT Center for Human Genetics Tuebingen
Classification: Uncertain significance. Last evaluated: 2023-03-01. Review status: criteria provided, single submitter. Criteria: CeGaT Center For Human Genetics Tuebingen Variant Classification Criteria Version 2. Collection method: clinical testing. Allele origin: germline. Affected: yes. Observed: 1 variant allele.
Comment: KCNK4: PM2, PM4

NM_033310.3(KCNK4):c.963_964insA (p.Pro322fs)

Genes: KCNK4-CATSPERZ (KCNK4-CATSPERZ readthrough (NMD candidate); plus strand), KCNK4 (potassium two pore domain channel subfamily K member 4; plus strand). Cytogenetic location: 11q13.1.
Variant type: Insertion.
Coding change: c.963_964insA on transcript NM_033310.3 (MANE Select); coding-DNA positions 963 to 964, A inserted.
Protein change: p.Pro322fs; shifts the reading frame from proline 322.
Molecular consequence: frameshift variant. On other transcripts: non-coding transcript variant (3).
Genome position: GRCh38 VCF-style: chr11-64299507-G-GA. GRCh37 (hg19) VCF-style: chr11-64066979-G-GA.
Other names: c.963_964insA, p.Pro322Thrfs (NM_033311.1); c.963_964insA, p.Pro322fs (NM_001317090.2); short protein forms P322fs.
Identifiers: ClinVar variation 2498515 (VCV002498515.28), dbSNP rs2495702364, ClinGen allele CA2580084406.